The following is an entry in ClinVar:

NM_031885.5(BBS2):c.471+3A>G

Gene: BBS2 (Bardet-Biedl syndrome 2; minus strand). Cytogenetic location: 16q13.
Variant type: single nucleotide variant.
Coding change: c.471+3A>G on transcript NM_031885.5 (MANE Select); 3 bases into the intron after coding-DNA position 471, A replaced by G.
Molecular consequence: intron variant.
Genome position (GRCh38, 1-based): chr16:56,511,156, T>C on the plus strand (A>G on the coding strand, the complement: BBS2 is on the minus strand). VCF-style: chr16-56511156-T-C. GRCh37 (hg19) VCF-style: chr16-56545068-T-C.
Other names: c.471+3A>G (NM_031885.3, NM_001377456.1).
Identifiers: ClinVar variation 1508508 (VCV001508508.4), dbSNP rs1964565857, ClinGen allele CA2224178526.

ClinVar aggregate classification (germline): Uncertain significance. Review status: criteria provided, multiple submitters, no conflicts (2 of 4 stars). 2 submissions from 2 submitters: Uncertain significance (2). Last evaluated 2025-01-30.

Conditions:
BBS2-related disorder. Also called: BBS2-related condition; BBS2-related disorders. Identifiers: MedGen CN239228.
Bardet-Biedl syndrome (BBS). Identifiers: Orphanet 110, MedGen C0752166, MONDO:0015229.

Allele frequency attached by ClinVar (database versions not stated): gnomAD exomes below 0.00001; TOPMed 0.00002.
gnomAD v4.1: 1 of 1,614,046 alleles (0.000062%); highest among the groups gnomAD compares: Admixed American, 0.0017%; no homozygotes.

Submissions (2):

PreventionGenetics, part of Exact Sciences
Classification: Uncertain significance for BBS2-related condition. Last evaluated: 2025-01-30. Review status: criteria provided, single submitter. Criteria: ACMG Guidelines, 2015. Collection method: clinical testing. Allele origin: germline.
Comment: The BBS2 c.471+3A>G variant is predicted to interfere with splicing. To our knowledge, this variant has not been reported in the literature or in a large population database (gnomAD), indicating this variant is rare. This variant is predicted to alter splicing based on available splicing prediction programs (SpliceAI, Jaganathan et al. 2019. PubMed ID: 30661751). However, the use of computer prediction programs is not equivalent to functional evidence. Although we suspect that this variant may be pathogenic, at this time, the clinical significance of this variant is uncertain due to the absence of conclusive functional and genetic evidence.

Labcorp Genetics (formerly Invitae), Labcorp
Classification: Uncertain significance for Bardet-Biedl syndrome. Last evaluated: 2022-02-08. Review status: criteria provided, single submitter. Criteria: Invitae Variant Classification Sherloc (09022015). Collection method: clinical testing. Allele origin: germline.
Comment: This sequence change falls in intron 3 of the BBS2 gene. It does not directly change the encoded amino acid sequence of the BBS2 protein. It affects a nucleotide within the consensus splice site. This variant is not present in population databases (gnomAD no frequency). This variant has not been reported in the literature in individuals affected with BBS2-related conditions. Variants that disrupt the consensus splice site are a relatively common cause of aberrant splicing (PMID: 17576681, 9536098). Algorithms developed to predict the effect of sequence changes on RNA splicing suggest that this variant may disrupt the consensus splice site. In summary, the available evidence is currently insufficient to determine the role of this variant in disease. Therefore, it has been classified as a Variant of Uncertain Significance.

Literature cited by the submitters: PubMed 17576681 (cited by Labcorp Genetics (formerly Invitae), Labcorp); PubMed 9536098 (cited by Labcorp Genetics (formerly Invitae), Labcorp).